The following is an entry in ClinVar:

NM_013322.3(SNX10):c.87C>A (p.Tyr29Ter)

Gene: SNX10 (sorting nexin 10; plus strand). Cytogenetic location: 7p15.2.
Variant type: single nucleotide variant.
Coding change: c.87C>A on transcript NM_013322.3 (MANE Select); coding-DNA position 87, C replaced by A.
Protein change: p.Tyr29Ter; replaces tyrosine 29 with a stop codon.
Molecular consequence: nonsense.
Genome position (GRCh38, 1-based): chr7:26,361,037, C>A. VCF-style: chr7-26361037-C-A. GRCh37 (hg19) VCF-style: chr7-26400657-C-A.
Other names: c.87C>A, p.Tyr29Ter (NM_001199835.1, NM_001318199.3); c.78C>A, p.Tyr26Ter (NM_001199837.3); c.165C>A, p.Tyr55Ter (NM_001318198.1, NM_001362753.1, NM_001362754.1); short protein forms Y29*, Y26*, Y55*.
Identifiers: ClinVar variation 1451825 (VCV001451825.6), dbSNP rs968119159, ClinGen allele CA156144143.

ClinVar aggregate classification (germline): Pathogenic (1 of 4 stars; one submission).

Allele frequency attached by ClinVar (database versions not stated): gnomAD exomes below 0.00001; gnomAD 0.00001; TOPMed 0.00001.
gnomAD v4.1: 7 of 1,607,216 alleles (0.00044%); highest among the groups gnomAD compares: Non-Finnish European, 0.0006%; no homozygotes.

Submission:

Labcorp Genetics (formerly Invitae), Labcorp
Classification: Pathogenic. Last evaluated: 2022-07-19. Review status: criteria provided, single submitter. Criteria: Invitae Variant Classification Sherloc (09022015). Collection method: clinical testing. Allele origin: germline.
Comment: This sequence change creates a premature translational stop signal (p.Tyr29*) in the SNX10 gene. It is expected to result in an absent or disrupted protein product. Loss-of-function variants in SNX10 are known to be pathogenic (PMID: 23123320, 23280965, 25811986). This variant is present in population databases (no rsID available, gnomAD 0.002%). This premature translational stop signal has been observed in individual(s) with osteoporosis (PMID: 23280965). ClinVar contains an entry for this variant (Variation ID: 1451825). For these reasons, this variant has been classified as Pathogenic.

Literature cited by the submitters: PubMed 23123320; PubMed 23280965; PubMed 25811986.